The following is an entry in ClinVar:

ClinVar aggregate classification (germline): Uncertain significance (1 of 4 stars; one submission).

Submission:

GeneDx
Classification: Uncertain significance. Last evaluated: 2022-06-30. Review status: criteria provided, single submitter. Criteria: GeneDx Variant Classification Process June 2021. Collection method: clinical testing. Allele origin: germline. Affected: yes.
Comment: Not observed at significant frequency in large population cohorts (gnomAD); In silico analysis supports that this missense variant does not alter protein structure/function; Has not been previously published as pathogenic or benign to our knowledge; This variant is associated with the following publications: (PMID: 18394578)

NM_015346.4(ZFYVE26):c.5530A>G (p.Ser1844Gly)

Gene: ZFYVE26 (zinc finger FYVE-type containing 26; minus strand). Cytogenetic location: 14q24.1.
Variant type: single nucleotide variant.
Coding change: c.5530A>G on transcript NM_015346.4 (MANE Select); coding-DNA position 5530, A replaced by G.
Protein change: p.Ser1844Gly; replaces serine 1844 with glycine.
Molecular consequence: missense variant.
Genome position (GRCh38, 1-based): chr14:67,769,685, T>C on the plus strand (A>G on the coding strand, the complement: ZFYVE26 is on the minus strand). VCF-style: chr14-67769685-T-C. GRCh37 (hg19) VCF-style: chr14-68236402-T-C.
Other names: short protein forms S1844G.
Identifiers: ClinVar variation 1810059 (VCV001810059.1), dbSNP rs2502766007, ClinGen allele CA390167108.
Genomic context (GRCh38, chr14:67,769,685, plus strand): 5'-ACACACGAGCAGGGTTCTCTCTGCAGCCTTCAACCACCATTTTCTTAGTGGAGCAGGAGC[T>C]GCACACTAGCCGGCCACAGCGGCGACAATGATGACGCCTGTTAAACTGAGGAATGCCATC-3'
Protein context (NP_056161.2, residues 1834-1854): HCRRCGRLVC[Ser1844Gly]SCSTKKMVVE